The following is an entry in ClinVar:

NM_005633.4(SOS1):c.3182G>A (p.Arg1061Lys)

Gene: SOS1 (SOS Ras/Rac guanine nucleotide exchange factor 1; minus strand). Cytogenetic location: 2p22.1.
Variant type: single nucleotide variant.
Coding change: c.3182G>A on transcript NM_005633.4 (MANE Select); coding-DNA position 3182, G replaced by A.
Protein change: p.Arg1061Lys; replaces arginine 1061 with lysine.
Molecular consequence: missense variant.
Genome position (GRCh38, 1-based): chr2:38,995,287, C>T on the plus strand (G>A on the coding strand, the complement: SOS1 is on the minus strand). VCF-style: chr2-38995287-C-T. GRCh37 (hg19) VCF-style: chr2-39222428-C-T.
Other names: c.3161G>A, p.Arg1054Lys (NM_001382394.1); c.3182G>A, p.Arg1061Lys (NM_001382395.1); short protein forms R1061K, R1054K.
Identifiers: ClinVar variation 2994307 (VCV002994307.4), dbSNP rs2528915232, ClinGen allele CA346361006.

ClinVar aggregate classification (germline): Uncertain significance. Review status: criteria provided, multiple submitters, no conflicts (2 of 4 stars). 2 submissions from 2 submitters: Uncertain significance (2). Last evaluated 2023-11-22.

Conditions:
Cardiovascular phenotype. Identifiers: MedGen CN230736.
RASopathy. Also called: Noonan spectrum disorder; rasopathies. Identifiers: Orphanet 536391, MedGen C5555857, MONDO:0021060.

Submissions (2):

Ambry Genetics
Classification: Uncertain significance for Cardiovascular phenotype. Last evaluated: 2023-11-22. Review status: criteria provided, single submitter. Criteria: Ambry Variant Classification Scheme 2023. Collection method: clinical testing. Allele origin: germline.
Comment: The p.R1061K variant (also known as c.3182G>A), located in coding exon 20 of the SOS1 gene, results from a G to A substitution at nucleotide position 3182. The arginine at codon 1061 is replaced by lysine, an amino acid with highly similar properties. This amino acid position is conserved. In addition, this alteration is predicted to be tolerated by in silico analysis. Since supporting evidence is limited at this time, the clinical significance of this alteration remains unclear.

Labcorp Genetics (formerly Invitae), Labcorp
Classification: Uncertain significance for RASopathy. Last evaluated: 2023-04-16. Review status: criteria provided, single submitter. Criteria: Invitae Variant Classification Sherloc (09022015). Collection method: clinical testing. Allele origin: germline.
Comment: This sequence change replaces arginine, which is basic and polar, with lysine, which is basic and polar, at codon 1061 of the SOS1 protein (p.Arg1061Lys). This variant is not present in population databases (gnomAD no frequency). This variant has not been reported in the literature in individuals affected with SOS1-related conditions. Advanced modeling of protein sequence and biophysical properties (such as structural, functional, and spatial information, amino acid conservation, physicochemical variation, residue mobility, and thermodynamic stability) performed at Invitae indicates that this missense variant is not expected to disrupt SOS1 protein function. In summary, the available evidence is currently insufficient to determine the role of this variant in disease. Therefore, it has been classified as a Variant of Uncertain Significance.